The following is an entry in ClinVar:

ClinVar aggregate classification (germline): Likely benign (1 of 4 stars; one submission).

Allele frequency attached by ClinVar (database versions not stated): TOPMed 0.00002.

Submission:

GeneDx
Classification: Likely benign. Last evaluated: 2016-01-04. Review status: criteria provided, single submitter. Criteria: GeneDx Variant Classification (06012015). Collection method: clinical testing. Allele origin: germline. Affected: yes.
Comment: This variant is considered likely benign or benign based on one or more of the following criteria: it is a conservative change, it occurs at a poorly conserved position in the protein, it is predicted to be benign by multiple in silico algorithms, and/or has population frequency not consistent with disease.

NM_000440.3(PDE6A):c.750A>G (p.Glu250=)

Gene: PDE6A (phosphodiesterase 6A; minus strand). Cytogenetic location: 5q32.
Variant type: single nucleotide variant.
Coding change: c.750A>G on transcript NM_000440.3 (MANE Select); coding-DNA position 750, A replaced by G.
Protein change: p.Glu250=; no amino-acid change (glutamic acid 250 retained).
Molecular consequence: synonymous variant.
Genome position (GRCh38, 1-based): chr5:149,931,136, T>C on the plus strand (A>G on the coding strand, the complement: PDE6A is on the minus strand). VCF-style: chr5-149931136-T-C. GRCh37 (hg19) VCF-style: chr5-149310699-T-C.
Identifiers: ClinVar variation 382559 (VCV000382559.1), dbSNP rs1057521387, ClinGen allele CA16604724.